The following is an entry in ClinVar:

ClinVar aggregate classification (germline): Pathogenic/Likely pathogenic. Review status: criteria provided, multiple submitters, no conflicts (2 of 4 stars). 7 submissions from 7 submitters: Pathogenic (6); Likely pathogenic (1). Last evaluated 2026-10-03.

Conditions:
Retinal disorder. Also called: Retinopathies; Retinal Diseases; Retinopathy; Retinal disorders. Identifiers: MedGen C0035309, MONDO:0005283, HP:0000488.
Rare genetic deafness. Identifiers: Orphanet 96210, MedGen C5680250.
ADGRV1-related disorder. Also called: ADGRV1-related disorders; ADGRV1-related condition.
Usher syndrome type 2C. Also called: USHER SYNDROME, TYPE IIC; Usher syndrome, type 2B. Identifiers: Orphanet 231178, Orphanet 886, MedGen C2931213, MONDO:0011558, OMIM 605472.

gnomAD v4.1: 24 of 1,602,740 alleles (0.0015%); highest among the groups gnomAD compares: South Asian, 0.0023%; no homozygotes.

Submissions (7):

GeneDx
Classification: Pathogenic. Last evaluated: 2026-10-03. Review status: criteria provided, single submitter. Criteria: GeneDx Variant Classification Process June 2021. Collection method: clinical testing. Allele origin: germline.
Comment: Nonsense variant predicted to result in protein truncation or nonsense mediated decay in a gene for which loss of function is a known mechanism of disease; Not observed at significant frequency in large population cohorts (gnomAD); This variant is associated with the following publications: (PMID: 32037395, 27460420)

PreventionGenetics, part of Exact Sciences
Classification: Pathogenic for ADGRV1-related condition. Last evaluated: 2026-06-17. Review status: criteria provided, single submitter. Criteria: ACMG Guidelines, 2015. Collection method: clinical testing. Allele origin: germline.
Comment: The ADGRV1 c.9877C>T variant is predicted to result in premature protein termination (p.Arg3293*). This variant has been reported along with a second ADGRV1 variant in indiviudals with Usher syndrome or retinal disease (Table S1, Bonnet et al. 2016. PubMed ID: 27460420; Table S2, Zampaglione et al. 2020. PubMed ID: 32037395). This variant is present in 0.0057% of alleles in individuals of East Asian descent in gnomAD. Nonsense variants in ADGRV1 are an established mechanism of disease. This variant is interpreted as pathogenic.

Genetics Laboratory, Great Ormond Street Hospital NHS Foundation Trust, North Thames Genomic Laboratory Hub
Classification: Pathogenic for Retinal disorders. Last evaluated: 2026-06-01. Review status: criteria provided, single submitter. Criteria: ACGS Best Practice Guidelines for Variant Classification in Rare Disease 2024 v1.2. Collection method: clinical testing. Allele origin: germline. Affected: yes.
Comment: PM2_moderate, PVS1_very-strong

Labcorp Genetics (formerly Invitae), Labcorp
Classification: Pathogenic. Last evaluated: 2025-12-15. Review status: criteria provided, single submitter. Criteria: Invitae Variant Classification Sherloc (09022015). Collection method: clinical testing. Allele origin: germline.
Comment: This sequence change creates a premature translational stop signal (p.Arg3293*) in the ADGRV1 gene. It is expected to result in an absent or disrupted protein product. Loss-of-function variants in ADGRV1 are known to be pathogenic (PMID: 19357117, 22135276, 22147658, 26226137, 30718709, 31047384, 32467589). This variant is present in population databases (rs769215629, gnomAD 0.0009%). This premature translational stop signal has been observed in individual(s) with clinical features of Usher syndrome (PMID: 27460420). ClinVar contains an entry for this variant (Variation ID: 517415). Algorithms developed to predict the effect of sequence changes on RNA splicing suggest that this variant may disrupt the consensus splice site. For these reasons, this variant has been classified as Pathogenic.

Blueprint Genetics
Classification: Likely pathogenic for ADGRV1-related disorders. Last evaluated: 2023-04-19. Review status: criteria provided, single submitter. Criteria: ACMG Guidelines, 2015. Collection method: clinical testing. Allele origin: germline. Affected: yes. Observed: 5 variant alleles.

Dasa
Classification: Pathogenic for Usher syndrome type 2C. Last evaluated: 2022-04-10. Review status: criteria provided, single submitter. Criteria: ACMG Guidelines, 2015. Collection method: clinical testing. Allele origin: germline. Affected: yes. Observed: 1 variant allele.
Comment: The c.9877C>T;p.(Arg3293*) variant creates a premature translational stop signal in the ADGRV1 gene. It is expected to result in an absent or disrupted protein product -PVS1. This sequence change has been observed in affected individual(s) and ClinVar contains an entry for this variant (Clinvar ID: 517415; PMID: 27460420) - PS4. The variant is present at low allele frequencies population databases (rs769215629 – gnomAD 0.00008302%; ABraOM no frequency) - PM2_supporting. The p.(Arg3293*) was detected in trans with a pathogenic variant (PMID: 27460420) - PM3_supporting. In summary, the currently available evidence indicates that the variant is pathogenic.

Laboratory for Molecular Medicine, Mass General Brigham Personalized Medicine
Classification: Pathogenic for Rare genetic deafness. Last evaluated: 2017-07-10. Review status: criteria provided, single submitter. Criteria: LMM Criteria. Collection method: clinical testing. Allele origin: germline. Inheritance: Autosomal recessive inheritance. Observed: 1 variant allele.
Comment: The p.Arg3293X variant in GPR98 has not been previously reported in individuals with hearing loss or Usher syndrome, but has been identified in 1/109096 Europea n chromosomes by the Genome Aggregation Database (gnomAD; dbSNP rs769215629). This nonsense variant leads to a premature term ination codon at position 3293, which is predicted to lead to a truncated or abs ent protein. Loss of function of the GPR98 gene is an established disease mechan ism in autosomal recessive Usher syndrome type 2. In summary, this variant meets criteria to be classified as pathogenic for Usher syndrome type 2 in an autosom al recessive manner based on predicted impact to the protein.

Literature cited by the submitters: PubMed 19357117 (cited by Labcorp Genetics (formerly Invitae), Labcorp); PubMed 22135276 (cited by Labcorp Genetics (formerly Invitae), Labcorp); PubMed 22147658 (cited by Labcorp Genetics (formerly Invitae), Labcorp); PubMed 26226137 (cited by Labcorp Genetics (formerly Invitae), Labcorp); PubMed 30718709 (cited by Labcorp Genetics (formerly Invitae), Labcorp); PubMed 31047384 (cited by Labcorp Genetics (formerly Invitae), Labcorp); PubMed 32467589 (cited by Labcorp Genetics (formerly Invitae), Labcorp); PubMed 27460420 (cited by Labcorp Genetics (formerly Invitae), Labcorp and Dasa).

NM_032119.4(ADGRV1):c.9877C>T (p.Arg3293Ter)

Gene: ADGRV1 (adhesion G protein-coupled receptor V1; plus strand). Cytogenetic location: 5q14.3.
Variant type: single nucleotide variant.
Coding change: c.9877C>T on transcript NM_032119.4 (MANE Select); coding-DNA position 9877, C replaced by T.
Protein change: p.Arg3293Ter; replaces arginine 3293 with a stop codon.
Molecular consequence: nonsense. On other transcripts: non-coding transcript variant (1).
Genome position (GRCh38, 1-based): chr5:90,724,960, C>T. VCF-style: chr5-90724960-C-T. GRCh37 (hg19) VCF-style: chr5-90020777-C-T.
Other names: short protein forms R3293*.
Identifiers: ClinVar variation 517415 (VCV000517415.21), dbSNP rs769215629, ClinGen allele CA3340612.
Genomic context (GRCh38, chr5:90,724,960, plus strand): 5'-TTTACTTTGGAAAATTTAATATATGGTATAATGTTAAGAAAATCATCTGTTACTGTTTAC[C>T]GATGGCAGGGGATTTTTATTCCAGTTGAGGTAAACATCAGTATTTTTTTATAGTACAAAA-3'